The following is an entry in ClinVar:

ClinVar aggregate classification (germline): Uncertain significance (1 of 4 stars; one submission).

Submission:

GeneDx
Classification: Uncertain significance. Last evaluated: 2019-04-15. Review status: criteria provided, single submitter. Criteria: GeneDx Variant Classification Process June 2021. Collection method: clinical testing. Allele origin: germline. Affected: yes.
Comment: Not observed in large population cohorts (Lek et al., 2016); In silico analysis, which includes protein predictors and evolutionary conservation, supports a deleterious effect; Has not been previously published as pathogenic or benign to our knowledge

NM_001202.6(BMP4):c.818T>C (p.Val273Ala)

Gene: BMP4 (bone morphogenetic protein 4; minus strand). Cytogenetic location: 14q22.2.
Variant type: single nucleotide variant.
Coding change: c.818T>C on transcript NM_001202.6 (MANE Select); coding-DNA position 818, T replaced by C.
Protein change: p.Val273Ala; replaces valine 273 with alanine.
Molecular consequence: missense variant.
Genome position (GRCh38, 1-based): chr14:53,950,441, A>G on the plus strand (T>C on the coding strand, the complement: BMP4 is on the minus strand). VCF-style: chr14-53950441-A-G. GRCh37 (hg19) VCF-style: chr14-54417159-A-G.
Other names: c.959T>C, p.Val320Ala (NM_001347912.1); c.629T>C, p.Val210Ala (NM_001347913.2, NM_001347915.2, NM_001347917.1); c.818T>C, p.Val273Ala (NM_001347914.2, NM_001347916.1, NM_130850.5 and 1 more transcripts); short protein forms V210A, V273A, V320A.
Identifiers: ClinVar variation 1308531 (VCV001308531.2), dbSNP rs2140234580, ClinGen allele CA389783892.